The following is an entry in ClinVar:

NM_017841.4(SDHAF2):c.253C>A (p.Leu85Ile)

Gene: SDHAF2 (succinate dehydrogenase complex assembly factor 2; plus strand). Cytogenetic location: 11q12.2.
Variant type: single nucleotide variant.
Coding change: c.253C>A on transcript NM_017841.4 (MANE Select); coding-DNA position 253, C replaced by A.
Protein change: p.Leu85Ile; replaces leucine 85 with isoleucine.
Molecular consequence: missense variant.
Genome position (GRCh38, 1-based): chr11:61,437,841, C>A. VCF-style: chr11-61437841-C-A. GRCh37 (hg19) VCF-style: chr11-61205313-C-A.
Other names: short protein forms L85I.
Identifiers: ClinVar variation 647239 (VCV000647239.16), dbSNP rs1300112394, ClinGen allele CA380683913.

ClinVar aggregate classification (germline): Uncertain significance. Review status: criteria provided, multiple submitters, no conflicts (2 of 4 stars). 2 submissions from 2 submitters: Uncertain significance (2). Last evaluated 2025-11-26.

Conditions:
Hereditary pheochromocytoma and paraganglioma. Also called: Hereditary paragangliomas and pheochromocytomas; Hereditary pheochromocytoma-paraganglioma; Hereditary Paraganglioma-Pheochromocytoma Syndromes. Identifiers: Orphanet 29072, MedGen C4274332, MONDO:0017366.
Hereditary cancer-predisposing syndrome. Also called: Tumor predisposition; Hereditary Cancer Syndrome; Hereditary neoplastic syndrome; Neoplastic Syndromes, Hereditary. Identifiers: Orphanet 140162, MedGen C0027672, MeSH D009386, MONDO:0015356.

Allele frequency attached by ClinVar (database versions not stated): gnomAD 0.00001; TOPMed 0.00001.
gnomAD v4.1: 7 of 1,613,192 alleles (0.00043%); highest among the groups gnomAD compares: South Asian, 0.0022%; no homozygotes.

Submissions (2):

Ambry Genetics
Classification: Uncertain significance for Hereditary cancer-predisposing syndrome. Last evaluated: 2025-11-26. Review status: criteria provided, single submitter. Criteria: Ambry Variant Classification Scheme 2023. Collection method: clinical testing. Allele origin: germline.
Comment: The p.L85I variant (also known as c.253C>A), located in coding exon 2 of the SDHAF2 gene, results from a C to A substitution at nucleotide position 253. The leucine at codon 85 is replaced by isoleucine, an amino acid with highly similar properties. This amino acid position is highly conserved in available vertebrate species. In addition, the in silico prediction for this alteration is inconclusive. Since supporting evidence is limited at this time, the clinical significance of this alteration remains unclear.

Labcorp Genetics (formerly Invitae), Labcorp
Classification: Uncertain significance for Hereditary pheochromocytoma and paraganglioma. Last evaluated: 2024-05-13. Review status: criteria provided, single submitter. Criteria: Invitae Variant Classification Sherloc (09022015). Collection method: clinical testing. Allele origin: germline.
Comment: This sequence change replaces leucine, which is neutral and non-polar, with isoleucine, which is neutral and non-polar, at codon 85 of the SDHAF2 protein (p.Leu85Ile). This variant is not present in population databases (gnomAD no frequency). This variant has not been reported in the literature in individuals affected with SDHAF2-related conditions. ClinVar contains an entry for this variant (Variation ID: 647239). An algorithm developed to predict the effect of missense changes on protein structure and function (PolyPhen-2) suggests that this variant is likely to be disruptive. In summary, the available evidence is currently insufficient to determine the role of this variant in disease. Therefore, it has been classified as a Variant of Uncertain Significance.